The following is an entry in ClinVar:

NM_004526.4(MCM2):c.759G>A (p.Ala253=)

Gene: MCM2 (minichromosome maintenance complex component 2; plus strand). Cytogenetic location: 3q21.3.
Variant type: single nucleotide variant.
Coding change: c.759G>A on transcript NM_004526.4 (MANE Select); coding-DNA position 759, G replaced by A.
Protein change: p.Ala253=; no amino-acid change (alanine 253 retained).
Molecular consequence: synonymous variant. On other transcripts: non-coding transcript variant (1).
Genome position (GRCh38, 1-based): chr3:127,606,203, G>A. VCF-style: chr3-127606203-G-A. GRCh37 (hg19) VCF-style: chr3-127325046-G-A.
Other names: p.Ala253=.
Identifiers: ClinVar variation 684165 (VCV000684165.41), dbSNP rs35749886, ClinGen allele CA2595706.
Genomic context (GRCh38, chr3:127,606,203, plus strand): 5'-CTATGAGGACTTGGCAGCCAGGGAGCACGTGCTGGCCTACTTCCTGCCTGAGGCACCGGC[G>A]GAGCTGCTGCAGATCTTTGATGAGGCTGCCCTGGAGGTGGTACTGGCCATGTACCCCAAG-3'
Protein context (NP_004517.2, residues 243-263): VLAYFLPEAP[Ala253=]ELLQIFDEAA

ClinVar aggregate classification (germline): Benign/Likely benign. Review status: criteria provided, multiple submitters, no conflicts (2 of 4 stars). 6 submissions from 6 submitters: Benign (5); Likely benign (1). Last evaluated 2026-01-19.

Allele frequency attached by ClinVar (database versions not stated): ESP Exome Variant Server 0.00192; gnomAD 0.00205 and 0.00206; TOPMed 0.00208; gnomAD exomes 0.00264 and 0.00289; 1000 Genomes Project 30x 0.00265; ExAC 0.00284; 1000 Genomes Project 0.00300.
gnomAD v4.1: 4,605 of 1,614,222 alleles (0.29%); highest among the groups gnomAD compares: South Asian, 0.81%; 20 homozygotes.

Submissions (6):

Labcorp Genetics (formerly Invitae), Labcorp
Classification: Benign. Last evaluated: 2026-01-19. Review status: criteria provided, single submitter. Criteria: Invitae Variant Classification Sherloc (09022015). Collection method: clinical testing. Allele origin: germline.

Mayo Clinic Laboratories, Mayo Clinic
Classification: Benign. Last evaluated: 2025-08-20. Review status: criteria provided, single submitter. Criteria: ACMG Guidelines, 2015. Collection method: clinical testing. Allele origin: germline. Observed: 1 variant allele.
Comment: BA1, BS2

CeGaT Center for Human Genetics Tuebingen
Classification: Likely benign. Last evaluated: 2023-02-01. Review status: criteria provided, single submitter. Criteria: CeGaT Center For Human Genetics Tuebingen Variant Classification Criteria Version 2. Collection method: clinical testing. Allele origin: germline. Affected: yes. Observed: 4 variant alleles.
Comment: MCM2: BP4, BP7, BS2

Athena Diagnostics
Classification: Benign. Last evaluated: 2018-11-16. Review status: criteria provided, single submitter. Criteria: Athena Diagnostics Criteria. Collection method: clinical testing. Allele origin: germline.

GeneDx
Classification: Benign. Last evaluated: 2018-05-24. Review status: criteria provided, single submitter. Criteria: GeneDx Variant Classification (06012015). Collection method: clinical testing. Allele origin: germline. Affected: yes.
Comment: This variant is considered likely benign or benign based on one or more of the following criteria: it is a conservative change, it occurs at a poorly conserved position in the protein, it is predicted to be benign by multiple in silico algorithms, and/or has population frequency not consistent with disease.

Breakthrough Genomics
Classification: Benign. Review status: criteria provided, single submitter. Criteria: ACMG Guidelines, 2015. Collection method: not provided. Allele origin: germline. Inheritance: Autosomal dominant inheritance. Affected: yes.